The following is an entry in ClinVar:

NM_000637.5(GSR):c.1041+10C>A

Gene: GSR (glutathione-disulfide reductase; minus strand). Cytogenetic location: 8p12.
Variant type: single nucleotide variant.
Coding change: c.1041+10C>A on transcript NM_000637.5 (MANE Select); 10 bases into the intron after coding-DNA position 1041, C replaced by A.
Molecular consequence: intron variant.
Genome position (GRCh38, 1-based): chr8:30,689,151, G>T on the plus strand (C>A on the coding strand, the complement: GSR is on the minus strand). VCF-style: chr8-30689151-G-T. GRCh37 (hg19) VCF-style: chr8-30546668-G-T.
Other names: c.796-4952C>A (NM_001195104.3); c.954+10C>A (NM_001195102.3); c.882+3818C>A (NM_001195103.3).
Identifiers: ClinVar variation 3055359 (VCV003055359.2), dbSNP rs985858885, ClinGen allele CA174451959.
Genomic context (GRCh38, chr8:30,689,151, plus strand): 5'-TGGGGGGAAAATAAAACCATAAGACTCCTAGTAGATTCACAAATGTTTCGGGCAGACCAA[G>T]CCAGCTTACCAGTTTGTTTAAACTCAGGTCCTTGGTATTCGGGACCCGCCCAATGGCCCA-3'

ClinVar aggregate classification (germline): Likely benign (0 of 4 stars; one submission).

Conditions:
GSR-related disorder. Also called: GSR-related condition.

Allele frequency attached by ClinVar (database versions not stated): gnomAD exomes below 0.00001.
gnomAD v4.1: 3 of 1,613,552 alleles (0.00019%); highest among the groups gnomAD compares: Non-Finnish European, 0.00025%; no homozygotes.

Submission:

PreventionGenetics, part of Exact Sciences
Classification: Likely benign for GSR-related condition. Last evaluated: 2022-04-20. Review status: no assertion criteria provided. Collection method: clinical testing. Allele origin: germline.
Comment: This variant is classified as likely benign based on ACMG/AMP sequence variant interpretation guidelines (Richards et al. 2015 PMID: 25741868, with internal and published modifications).